The following is an entry in ClinVar:

NM_173495.3(PTCHD1):c.1473C>T (p.Tyr491=)

Gene: PTCHD1 (patched domain containing 1; plus strand). Cytogenetic location: Xp22.11.
Variant type: single nucleotide variant.
Coding change: c.1473C>T on transcript NM_173495.3 (MANE Select); coding-DNA position 1473, C replaced by T.
Protein change: p.Tyr491=; no amino-acid change (tyrosine 491 retained).
Molecular consequence: synonymous variant.
Genome position (GRCh38, 1-based): chrX:23,392,991, C>T. VCF-style: chrX-23392991-C-T. GRCh37 (hg19) VCF-style: chrX-23411108-C-T.
Identifiers: ClinVar variation 1013360 (VCV001013360.42), dbSNP rs138439272, ClinGen allele CA10369173.

ClinVar aggregate classification (germline): Benign/Likely benign. Review status: criteria provided, multiple submitters, no conflicts (2 of 4 stars). 3 submissions from 3 submitters: Benign (2); Likely benign (1). Last evaluated 2024-06-01.

Conditions:
Inborn genetic diseases. Identifiers: MedGen C0950123, MeSH D030342.

Allele frequency attached by ClinVar (database versions not stated): TOPMed 0.00032; gnomAD exomes 0.00039 and 0.00041; gnomAD 0.00046; ExAC 0.00054; ESP Exome Variant Server 0.00057.
gnomAD v4.1: 486 of 1,209,700 alleles (0.04%); highest among the groups gnomAD compares: Non-Finnish European, 0.046%; 1 homozygote.

Submissions (3):

CeGaT Center for Human Genetics Tuebingen
Classification: Likely benign. Last evaluated: 2024-06-01. Review status: criteria provided, single submitter. Criteria: CeGaT Center For Human Genetics Tuebingen Variant Classification Criteria Version 2. Collection method: clinical testing. Allele origin: germline. Affected: yes. Observed: 5 variant alleles.
Comment: PTCHD1: BP4, BS2

GeneDx
Classification: Benign. Last evaluated: 2021-10-29. Review status: criteria provided, single submitter. Criteria: GeneDx Variant Classification Process June 2021. Collection method: clinical testing. Allele origin: germline. Affected: yes.

Ambry Genetics
Classification: Benign for Inborn genetic diseases. Last evaluated: 2018-05-02. Review status: criteria provided, single submitter. Criteria: Ambry Variant Classification Scheme 2023. Collection method: clinical testing. Allele origin: germline.